The following is an entry in ClinVar:

ClinVar aggregate classification (germline): Uncertain significance (1 of 4 stars; one submission).

Submission:

Labcorp Genetics (formerly Invitae), Labcorp
Classification: Uncertain significance. Last evaluated: 2025-05-07. Review status: criteria provided, single submitter. Criteria: Invitae Variant Classification Sherloc (09022015). Collection method: clinical testing. Allele origin: germline.
Comment: This sequence change replaces serine, which is neutral and polar, with glycine, which is neutral and non-polar, at codon 1797 of the POLE protein (p.Ser1797Gly). This variant is not present in population databases (gnomAD no frequency). This variant has not been reported in the literature in individuals affected with POLE-related conditions. Invitae Evidence Modeling of protein sequence and biophysical properties (such as structural, functional, and spatial information, amino acid conservation, physicochemical variation, residue mobility, and thermodynamic stability) indicates that this missense variant is not expected to disrupt POLE protein function with a negative predictive value of 80%. In summary, the available evidence is currently insufficient to determine the role of this variant in disease. Therefore, it has been classified as a Variant of Uncertain Significance.

NM_006231.4(POLE):c.5389A>G (p.Ser1797Gly)

Gene: POLE (DNA polymerase epsilon, catalytic subunit; minus strand). Cytogenetic location: 12q24.33.
Variant type: single nucleotide variant.
Coding change: c.5389A>G on transcript NM_006231.4 (MANE Select); coding-DNA position 5389, A replaced by G.
Protein change: p.Ser1797Gly; replaces serine 1797 with glycine.
Molecular consequence: missense variant.
Genome position (GRCh38, 1-based): chr12:132,639,288, T>C on the plus strand (A>G on the coding strand, the complement: POLE is on the minus strand). VCF-style: chr12-132639288-T-C. GRCh37 (hg19) VCF-style: chr12-133215874-T-C.
Other names: short protein forms S1797G.
Identifiers: ClinVar variation 4761563 (VCV004761563.1).